The following is an entry in ClinVar:

ClinVar aggregate classification (germline): Conflicting classifications of pathogenicity. Review status: criteria provided, conflicting classifications (1 of 4 stars). 7 submissions from 6 submitters: Uncertain significance (2); Likely benign (5). Last evaluated 2026-04-16.

Conditions:
CDH23-related disorder. Also called: CDH23-related condition; CDH23-related disorders.
Autosomal recessive nonsyndromic hearing loss 12. Also called: DEAFNESS, AUTOSOMAL RECESSIVE 12. Identifiers: Orphanet 90636, MedGen C1832394, MONDO:0011067, OMIM 601386.
Usher syndrome type 1D (USH1D). Also called: USHER SYNDROME, TYPE ID. Identifiers: Orphanet 231169, Orphanet 886, MedGen C1832845, MONDO:0010984, OMIM 601067.

Allele frequency attached by ClinVar (database versions not stated): gnomAD 0.00003 and 0.00005; TOPMed 0.00007; ESP Exome Variant Server 0.00008; gnomAD exomes 0.00008 and 0.00013; ExAC 0.00012.
gnomAD v4.1: 129 of 1,613,986 alleles (0.008%); highest among the groups gnomAD compares: Middle Eastern, 0.049%; 1 homozygote.

Submissions (7):

PreventionGenetics, part of Exact Sciences
Classification: Likely benign for CDH23-related condition. Last evaluated: 2026-04-16. Review status: criteria provided, single submitter. Criteria: ACMG Guidelines, 2015. Collection method: clinical testing. Allele origin: germline.
Comment: This variant is classified as likely benign based on ACMG/AMP sequence variant interpretation guidelines (Richards et al. 2015 PMID: 25741868, with internal and published modifications).

Labcorp Genetics (formerly Invitae), Labcorp
Classification: Likely benign. Last evaluated: 2026-01-06. Review status: criteria provided, single submitter. Criteria: Invitae Variant Classification Sherloc (09022015). Collection method: clinical testing. Allele origin: germline.

CeGaT Center for Human Genetics Tuebingen
Classification: Likely benign. Last evaluated: 2025-09-01. Review status: criteria provided, single submitter. Criteria: CeGaT Center For Human Genetics Tuebingen Variant Classification Criteria Version 2. Collection method: clinical testing. Allele origin: germline. Affected: yes. Observed: 1 variant allele.
Comment: CDH23: BP4, BP7

Blueprint Genetics
Classification: Likely benign. Last evaluated: 2024-11-22. Review status: criteria provided, single submitter. Criteria: ACMG Guidelines, 2015. Collection method: clinical testing. Allele origin: germline.

Illumina Laboratory Services, Illumina
Classification: Uncertain significance for Autosomal recessive nonsyndromic hearing loss 12. Last evaluated: 2017-04-27. Review status: criteria provided, single submitter. Criteria: ICSL Variant Classification Criteria 13 December 2019. Collection method: clinical testing. Allele origin: germline.

Illumina Laboratory Services, Illumina
Classification: Uncertain significance for Usher syndrome type 1D. Last evaluated: 2017-04-27. Review status: criteria provided, single submitter. Criteria: ICSL Variant Classification Criteria 13 December 2019. Collection method: clinical testing. Allele origin: germline.

Laboratory for Molecular Medicine, Mass General Brigham Personalized Medicine
Classification: Likely benign. Last evaluated: 2014-05-09. Review status: criteria provided, single submitter. Criteria: LMM Criteria. Collection method: clinical testing. Allele origin: germline. Observed: 2 variant alleles.
Comment: Val1841Val in exon 43 of CDH23: This variant has been reported in heterozygosity in one case (Oshima 2008) and has been identified in 1/8548 European American c hromosomes from a broad population by the NHLBI Exome Sequencing Project (dbSNP rs369513655). It is not expected to have clini cal significance because it does not alter an amino acid residue and is not loca ted near a splice junction.

Literature cited by the submitters: PubMed 18429043 (cited by Laboratory for Molecular Medicine, Mass General Brigham Personalized Medicine).

NM_022124.6(CDH23):c.5523G>A (p.Val1841=)

Gene: CDH23 (cadherin related 23; plus strand). Cytogenetic location: 10q22.1.
Variant type: single nucleotide variant.
Coding change: c.5523G>A on transcript NM_022124.6 (MANE Select); coding-DNA position 5523, G replaced by A.
Protein change: p.Val1841=; no amino-acid change (valine 1841 retained).
Molecular consequence: synonymous variant.
Genome position (GRCh38, 1-based): chr10:71,784,911, G>A. VCF-style: chr10-71784911-G-A. GRCh37 (hg19) VCF-style: chr10-73544668-G-A.
Identifiers: ClinVar variation 45984 (VCV000045984.25), dbSNP rs369513655, ClinGen allele CA137496.